The following is an entry in ClinVar:

NM_000038.6(APC):c.2172A>T (p.Ala724=)

Gene: APC (APC regulator of Wnt signaling pathway; plus strand). Cytogenetic location: 5q22.2.
Variant type: single nucleotide variant.
Coding change: c.2172A>T on transcript NM_000038.6 (MANE Select); coding-DNA position 2172, A replaced by T.
Protein change: p.Ala724=; no amino-acid change (alanine 724 retained).
Molecular consequence: synonymous variant.
Genome position (GRCh38, 1-based): chr5:112,837,766, A>T. VCF-style: chr5-112837766-A-T. GRCh37 (hg19) VCF-style: chr5-112173463-A-T.
Other names: c.2172A>T, p.Ala724= (NM_001127510.3, NM_001354895.2); c.2118A>T, p.Ala706= (NM_001127511.3); c.2226A>T, p.Ala742= (NM_001354896.2); c.2202A>T, p.Ala734= (NM_001354897.2); c.2097A>T, p.Ala699= (NM_001354898.2); c.2088A>T, p.Ala696= (NM_001354899.2); c.2049A>T, p.Ala683= (NM_001354900.2); c.1995A>T, p.Ala665= (NM_001354901.2); and 5 more.
Identifiers: ClinVar variation 796803 (VCV000796803.13), dbSNP rs1580618948, ClinGen allele CA445963485.

ClinVar aggregate classification (germline): Benign/Likely benign. Review status: criteria provided, multiple submitters, no conflicts (2 of 4 stars). 3 submissions from 3 submitters: Benign (1); Likely benign (2). Last evaluated 2024-03-08.

Conditions:
Familial adenomatous polyposis 1 (FAP1). Also called: POLYPOSIS, ADENOMATOUS INTESTINAL; FAMILIAL ADENOMATOUS POLYPOSIS 1, ATTENUATED. Identifiers: MedGen C2713442, MONDO:0021056, OMIM 175100. Disease mechanism: loss of function.
Hereditary cancer-predisposing syndrome. Also called: Neoplastic Syndromes, Hereditary; Hereditary neoplastic syndrome; Tumor predisposition; Hereditary Cancer Syndrome. Identifiers: Orphanet 140162, MedGen C0027672, MeSH D009386, MONDO:0015356.

Submissions (3):

Myriad Genetics, Inc.
Classification: Benign for Familial adenomatous polyposis 1. Last evaluated: 2024-03-08. Review status: criteria provided, single submitter. Criteria: Myriad Autosomal Dominant, Autosomal Recessive and X-Linked Classification Criteria (2023). Collection method: clinical testing. Allele origin: unknown.
Comment: This variant is considered benign. This variant is a silent/synonymous amino acid change and it is not expected to impact splicing.

Ambry Genetics
Classification: Likely benign for Hereditary cancer-predisposing syndrome. Last evaluated: 2022-05-19. Review status: criteria provided, single submitter. Criteria: Ambry Variant Classification Scheme 2023. Collection method: clinical testing. Allele origin: germline.

Labcorp Genetics (formerly Invitae), Labcorp
Classification: Likely benign for Familial adenomatous polyposis 1. Last evaluated: 2022-05-09. Review status: criteria provided, single submitter. Criteria: Invitae Variant Classification Sherloc (09022015). Collection method: clinical testing. Allele origin: germline.